The following is an entry in ClinVar:

NM_000492.4(CFTR):c.1691A>G (p.Lys564Arg)

Gene: CFTR (CF transmembrane conductance regulator; plus strand). Cytogenetic location: 7q31.2.
Variant type: single nucleotide variant.
Coding change: c.1691A>G on transcript NM_000492.4 (MANE Select); coding-DNA position 1691, A replaced by G.
Protein change: p.Lys564Arg; replaces lysine 564 with arginine.
Molecular consequence: missense variant.
Genome position (GRCh38, 1-based): chr7:117,590,364, A>G. VCF-style: chr7-117590364-A-G. GRCh37 (hg19) VCF-style: chr7-117230418-A-G.
Other names: short protein forms K564R.
Identifiers: ClinVar variation 583367 (VCV000583367.17), dbSNP rs375325315, ClinGen allele CA164946289.
Genomic context (GRCh38, chr7:117,590,364, plus strand): 5'-GACCAGGAAATAGAGAGGAAATGTAATTTAATTTCCATTTTCTTTTTAGAGCAGTATACA[A>G]AGATGCTGATTTGTATTTATTAGACTCTCCTTTTGGATACCTAGATGTTTTAACAGAAAA-3'
Protein context (NP_000483.3, residues 554-574): ARISLARAVY[Lys564Arg]DADLYLLDSP

ClinVar aggregate classification (germline): Uncertain significance. Review status: criteria provided, multiple submitters, no conflicts (2 of 4 stars). 6 submissions from 6 submitters: Uncertain significance (5). 1 of the submissions does not count toward it. Last evaluated 2024-12-10.

Conditions:
Cystic fibrosis (CF). Also called: MUCOVISCIDOSIS. Identifiers: Orphanet 586, MedGen C0010674, MONDO:0009061, OMIM 219700. Disease mechanism: loss of function.

Allele frequency attached by ClinVar (database versions not stated): gnomAD exomes below 0.00001 and 0.00001; TOPMed 0.00003; gnomAD 0.00005 and 0.00006.
gnomAD v4.1: 16 of 1,603,280 alleles (0.001%); highest among the groups gnomAD compares: Middle Eastern, 0.05%; no homozygotes.

Submissions (6):

Ambry Genetics
Classification: Uncertain significance for Cystic fibrosis. Last evaluated: 2024-12-10. Review status: criteria provided, single submitter. Criteria: Ambry Variant Classification Scheme 2023. Collection method: clinical testing. Allele origin: germline.
Comment: The p.K564R variant (also known as c.1691A>G), located in coding exon 13 of the CFTR gene, results from an A to G substitution at nucleotide position 1691. The lysine at codon 564 is replaced by arginine, an amino acid with highly similar properties. This amino acid position is well conserved in available vertebrate species. In addition, the in silico prediction for this alteration is inconclusive. Based on the available evidence, the clinical significance of this variant remains unclear.

Labcorp Genetics (formerly Invitae), Labcorp
Classification: Uncertain significance for Cystic fibrosis. Last evaluated: 2022-09-19. Review status: criteria provided, single submitter. Criteria: Invitae Variant Classification Sherloc (09022015). Collection method: clinical testing. Allele origin: germline.
Comment: This sequence change replaces lysine, which is basic and polar, with arginine, which is basic and polar, at codon 564 of the CFTR protein (p.Lys564Arg). This variant is present in population databases (rs375325315, gnomAD 0.01%). This variant has not been reported in the literature in individuals affected with CFTR-related conditions. ClinVar contains an entry for this variant (Variation ID: 583367). Advanced modeling of protein sequence and biophysical properties (such as structural, functional, and spatial information, amino acid conservation, physicochemical variation, residue mobility, and thermodynamic stability) performed at Invitae indicates that this missense variant is not expected to disrupt CFTR protein function. In summary, the available evidence is currently insufficient to determine the role of this variant in disease. Therefore, it has been classified as a Variant of Uncertain Significance.

Genome-Nilou Lab
Classification: Uncertain significance for Cystic fibrosis. Last evaluated: 2021-09-05. Review status: criteria provided, single submitter. Criteria: ACMG Guidelines, 2015. Collection method: clinical testing. Allele origin: germline. Affected: no.

Women's Health and Genetics/Laboratory Corporation of America, LabCorp
Classification: Uncertain significance. Last evaluated: 2021-06-01. Review status: criteria provided, single submitter. Criteria: LabCorp Variant Classification Summary - May 2015. Collection method: clinical testing. Allele origin: germline.
Comment: Variant summary: CFTR c.1691A>G (p.Lys564Arg) results in a conservative amino acid change located in the AAA+ ATPase domain (IPR003593) of the encoded protein sequence. Four of five in-silico tools predict a benign effect of the variant on protein function. The variant allele was found at a frequency of 4.6e-05 in 150842 control chromosomes (gnomAD v3.1 genomes dataset). The available data on variant occurrences in the general population are insufficient to allow any conclusion about variant significance. To our knowledge, no occurrence of c.1691A>G in individuals affected with Chronic Pancreatitis Risk and no experimental evidence demonstrating its impact on protein function have been reported. Three clinical diagnostic laboratories have submitted clinical-significance assessments for this variant to ClinVar after 2014 without evidence for independent evaluation. All laboratories classified the variant as uncertain significance. Based on the evidence outlined above, the variant was classified as uncertain significance.

ARUP Laboratories, Molecular Genetics and Genomics, ARUP Laboratories
Classification: Uncertain significance. Last evaluated: 2019-12-18. Review status: criteria provided, single submitter. Criteria: ARUP Molecular Germline Variant Investigation Process. Collection method: clinical testing. Allele origin: germline.
Comment: The CFTR c.1691A>G; p.Lys564Arg variant (rs375325315), to our knowledge, is not reported in the medical literature but is reported in ClinVar (Variation ID: 583367). This variant is only observed on three alleles in the Genome Aggregation Database, indicating it is not a common polymorphism. The lysine at codon 564 is moderately conserved, and computational analyses (SIFT, PolyPhen-2) predict that this variant is tolerated. Due to limited information, the clinical significance of the p.Lys564Arg variant is uncertain at this time.

Natera, Inc.
Classification: Uncertain significance for Cystic Fibrosis. Last evaluated: 2020-09-16. Review status: no assertion criteria provided. Collection method: clinical testing. Allele origin: germline. Not counted in ClinVar's aggregate classification.